The following is an entry in ClinVar:

ClinVar aggregate classification (germline): Pathogenic/Likely pathogenic. Review status: criteria provided, multiple submitters, no conflicts (2 of 4 stars). 6 submissions from 6 submitters: Pathogenic (3); Likely pathogenic (3). Last evaluated 2025-03-07.

Conditions:
Fanconi anemia complementation group J. Also called: BRIP1-Related Fanconi Anemia. Identifiers: Orphanet 84, MedGen C1836860, MONDO:0012187, OMIM 609054.
Familial cancer of breast. Also called: Hereditary breast cancer; hereditary breast carcinoma; BREAST CANCER, FAMILIAL. Identifiers: Orphanet 227535, MedGen C0346153, MONDO:0016419, OMIM 114480. Disease mechanism: loss of function.
Hereditary cancer-predisposing syndrome. Also called: Hereditary Cancer Syndrome; Neoplastic Syndromes, Hereditary; Hereditary neoplastic syndrome; Tumor predisposition. Identifiers: Orphanet 140162, MedGen C0027672, MeSH D009386, MONDO:0015356.

Allele frequency attached by ClinVar (database versions not stated): gnomAD 0.00001.

Submissions (6):

Labcorp Genetics (formerly Invitae), Labcorp
Classification: Pathogenic for Familial cancer of breast; Fanconi anemia complementation group J. Last evaluated: 2025-03-07. Review status: criteria provided, single submitter. Criteria: Invitae Variant Classification Sherloc (09022015). Collection method: clinical testing. Allele origin: germline.
Comment: This sequence change creates a premature translational stop signal (p.Tyr822Leufs*10) in the BRIP1 gene. It is expected to result in an absent or disrupted protein product. Loss-of-function variants in BRIP1 are known to be pathogenic (PMID: 16116423, 17033622, 21964575). This variant is present in population databases (no rsID available, gnomAD 0.1%). This variant has not been reported in the literature in individuals affected with BRIP1-related conditions. ClinVar contains an entry for this variant (Variation ID: 530329). For these reasons, this variant has been classified as Pathogenic.

Baylor Genetics
Classification: Likely pathogenic for Familial cancer of breast. Last evaluated: 2024-03-27. Review status: criteria provided, single submitter. Criteria: ACMG Guidelines, 2015. Collection method: clinical testing. Allele origin: unknown.

Fulgent Genetics
Classification: Likely pathogenic for Familial cancer of breast; Fanconi anemia complementation group J. Last evaluated: 2024-02-10. Review status: criteria provided, single submitter. Criteria: ACMG Guidelines, 2015. Collection method: clinical testing. Allele origin: germline.

Breast Care Center, Daerim St. Mary`s Hospital
Classification: Pathogenic for Hereditary cancer-predisposing syndrome. Last evaluated: 2023-07-26. Review status: criteria provided, single submitter. Criteria: ACMG Guidelines, 2015. Collection method: clinical testing. Allele origin: germline. Inheritance: Autosomal dominant inheritance. Affected: yes. Observed: 1 heterozygote.
Comment: The BRIP1:c.2464dupT variant was located in exon 17 of the BRIP1 gene, which predicts to lead to NMD (nonsense-mediated mRNA decay) and loss-of-function resulting from a frameshift. Its frequency is extremely low in gnomAD genomes/exomes. The previous classification in ClinVar is as a pathogenic variant.

Myriad Genetics, Inc.
Classification: Pathogenic for Familial cancer of breast. Last evaluated: 2023-06-06. Review status: criteria provided, single submitter. Criteria: Myriad Autosomal Dominant, Autosomal Recessive and X-Linked Classification Criteria (2023). Collection method: clinical testing. Allele origin: unknown.
Comment: This variant is considered pathogenic. This variant creates a frameshift predicted to result in premature protein truncation.

Juno Genomics, Hangzhou Juno Genomics, Inc
Classification: Likely pathogenic for Familial cancer of breast; Fanconi anemia complementation group J. Review status: criteria provided, single submitter. Criteria: ACMG Guidelines, 2015. Collection method: clinical testing. Allele origin: germline.
Comment: Null variant in a gene where loss of function (LOF) is a known mechanism of disease.;Absent from controls (or at extremely low frequency if recessive) in Genome Aggregation Database.

Literature cited by the submitters: PubMed 16116423 (cited by Labcorp Genetics (formerly Invitae), Labcorp); PubMed 17033622 (cited by Labcorp Genetics (formerly Invitae), Labcorp); PubMed 21964575 (cited by Labcorp Genetics (formerly Invitae), Labcorp).

NM_032043.3(BRIP1):c.2464dup (p.Tyr822fs)

Gene: BRIP1 (BRCA1 interacting DNA helicase 1; minus strand). Cytogenetic location: 17q23.2.
Variant type: Duplication.
Coding change: c.2464dup on transcript NM_032043.3 (MANE Select); coding-DNA position 2464, one base duplicated (T; older notation c.2464dupT).
Protein change: p.Tyr822fs; shifts the reading frame from tyrosine 822.
Molecular consequence: frameshift variant.
Genome position (GRCh38, 1-based): chr17:61,715,979, A duplicated on the plus strand (T on the coding strand, the reverse complement: BRIP1 is on the minus strand). VCF-style (leftmost placement, unchanged base first): chr17-61715978-T-TA. GRCh37 (hg19) VCF-style: chr17-59793339-T-TA.
Other names: c.2464dupT (NM_032043.3, NM_032043.2); short protein forms Y822fs.
Identifiers: ClinVar variation 530329 (VCV000530329.18), dbSNP rs1483527885, ClinGen allele CA626797044.
Genomic context (GRCh38, chr17:61,715,978, plus strand): 5'-AGATAATATTATATTAAATTTCACTCCACTTACCTACCAAGGGCCTGGTTTAAGGCCCTG[T>TA]ATGCTTGAATTTCATACCACTGACGGCCAGGTAGAAGACCTCTCAATTTTGAATGGTGGT-3'